The following is an entry in ClinVar:

ClinVar aggregate classification (germline): Uncertain significance (1 of 4 stars; one submission).

Submission:

GeneDx
Classification: Uncertain significance. Last evaluated: 2021-07-02. Review status: criteria provided, single submitter. Criteria: GeneDx Variant Classification Process June 2021. Collection method: clinical testing. Allele origin: germline. Affected: yes.
Comment: Not observed at significant frequency in large population cohorts (Lek et al., 2016); In-frame deletion of 1 amino acids in a non-repeat region; In silico analysis supports a deleterious effect on protein structure/function; Has not been previously published as pathogenic or benign to our knowledge; This variant is associated with the following publications: (PMID: 27535533)

NM_198525.3(KIF7):c.3670_3672del (p.Glu1224del)

Genes: KIF7 (kinesin family member 7; minus strand), LOC126862216 (BRD4-independent group 4 enhancer GRCh37_chr15:90171995-90173194; plus strand). Cytogenetic location: 15q26.1.
Variant type: Deletion.
Coding change: c.3670_3672del on transcript NM_198525.3 (MANE Select); coding-DNA positions 3670 to 3672, 3 bases deleted (GAG; older notation c.3670_3672delGAG).
Protein change: p.Glu1224del; deletes glutamic acid 1224.
Molecular consequence: inframe deletion.
Genome position (GRCh38, 1-based): chr15:89,628,779-89,628,781, CTC deleted on the plus strand (GAG on the coding strand, the reverse complement: KIF7 is on the minus strand); deleting any 3 consecutive bases within chr15:89,628,779-89,628,782 gives the same sequence; the c. name uses the placement nearest the transcript's 3' end. VCF-style (leftmost placement, unchanged base first): chr15-89628778-TCTC-T. GRCh37 (hg19) VCF-style: chr15-90172009-TCTC-T.
Other names: short protein forms E1224del.
Identifiers: ClinVar variation 1331269 (VCV001331269.2), dbSNP rs2141991987, ClinGen allele CA2573054119.